The following is an entry in ClinVar:

NM_052947.4(ALPK2):c.274T>G (p.Ser92Ala)

Gene: ALPK2 (alpha kinase 2; minus strand). Cytogenetic location: 18q21.31.
Variant type: single nucleotide variant.
Coding change: c.274T>G on transcript NM_052947.4 (MANE Select); coding-DNA position 274, T replaced by G.
Protein change: p.Ser92Ala; replaces serine 92 with alanine.
Molecular consequence: missense variant.
Genome position (GRCh38, 1-based): chr18:58,580,502, A>C on the plus strand (T>G on the coding strand, the complement: ALPK2 is on the minus strand). VCF-style: chr18-58580502-A-C. GRCh37 (hg19) VCF-style: chr18-56247734-A-C.
Other names: short protein forms S92A.
Identifiers: ClinVar variation 1795554 (VCV001795554.2), dbSNP rs2518900457, ClinGen allele CA402568341.
Genomic context (GRCh38, chr18:58,580,502, plus strand): 5'-GTGGGTTCTCTGATGAGCACTCAACCTCAACGGAAGCAGAACAACAGATCATTCCAAAAG[A>C]GTTTTTAGCCGAGATTTGATAGACAGCAGCATCATTTTTGGTACAGCTAGGATGAAGAGA-3'
Protein context (NP_443179.3, residues 82-102): AAVYQISAKN[Ser92Ala]FGMICCSASV

ClinVar aggregate classification (germline): Uncertain significance (1 of 4 stars; one submission).

Allele frequency attached by ClinVar (database versions not stated): gnomAD exomes 0.00002.

Submission:

Ambry Genetics
Classification: Uncertain significance. Last evaluated: 2024-01-25. Review status: criteria provided, single submitter. Criteria: Ambry Variant Classification Scheme 2023. Collection method: clinical testing. Allele origin: germline.
Comment: The p.S92A variant (also known as c.274T>G), located in coding exon 3 of the ALPK2 gene, results from a T to G substitution at nucleotide position 274. The serine at codon 92 is replaced by alanine, an amino acid with similar properties. This amino acid position is conserved. In addition, this alteration is predicted to be tolerated by in silico analysis. Since supporting evidence is limited at this time, the clinical significance of this alteration remains unclear.